The following is an entry in ClinVar:

ClinVar aggregate classification (germline): Likely benign (1 of 4 stars; one submission).

gnomAD v4.1: 4 of 1,566,884 alleles (0.00026%); highest among the groups gnomAD compares: African/African-American, 0.0013%; no homozygotes.

Submission:

CeGaT Center for Human Genetics Tuebingen
Classification: Likely benign. Last evaluated: 2023-09-01. Review status: criteria provided, single submitter. Criteria: CeGaT Center For Human Genetics Tuebingen Variant Classification Criteria Version 2. Collection method: clinical testing. Allele origin: germline. Affected: yes. Observed: 1 variant allele.
Comment: ANKRD11: PM2:Supporting, BP4, BP7

NM_013275.6(ANKRD11):c.6060C>T (p.Ala2020=)

Gene: ANKRD11 (ankyrin repeat domain 11; minus strand). Cytogenetic location: 16q24.3.
Variant type: single nucleotide variant.
Coding change: c.6060C>T on transcript NM_013275.6 (MANE Select); coding-DNA position 6060, C replaced by T.
Protein change: p.Ala2020=; no amino-acid change (alanine 2020 retained).
Molecular consequence: synonymous variant.
Genome position (GRCh38, 1-based): chr16:89,280,482, G>A on the plus strand (C>T on the coding strand, the complement: ANKRD11 is on the minus strand). VCF-style: chr16-89280482-G-A. GRCh37 (hg19) VCF-style: chr16-89346890-G-A.
Other names: c.6060C>T, p.Ala2020= (NM_001256182.2, NM_001256183.2).
Identifiers: ClinVar variation 2647062 (VCV002647062.24), dbSNP rs1046804092, ClinGen allele CA497373482.